The following is an entry in ClinVar:

NM_001430.5(EPAS1):c.1946C>A (p.Pro649His)

Gene: EPAS1 (endothelial PAS domain protein 1; plus strand). Cytogenetic location: 2p21.
Variant type: single nucleotide variant.
Coding change: c.1946C>A on transcript NM_001430.5 (MANE Select); coding-DNA position 1946, C replaced by A.
Protein change: p.Pro649His; replaces proline 649 with histidine.
Molecular consequence: missense variant.
Genome position (GRCh38, 1-based): chr2:46,380,618, C>A. VCF-style: chr2-46380618-C-A. GRCh37 (hg19) VCF-style: chr2-46607757-C-A.
Other names: short protein forms P649H.
Identifiers: ClinVar variation 3275690 (VCV003275690.1).
Genomic context (GRCh38, chr2:46,380,618, plus strand): 5'-CTTCCATGGGGGGCAGATCCAATACCCAGTGGCCCCCAGATCCACCATTACATTTTGGGC[C>A]CACAAAGTGGGCCGTCGGGGATCAGCGCACAGAGTTCTTGGGAGCAGCGCCGTTGGGGCC-3'
Protein context (NP_001421.2, residues 639-659): WPPDPPLHFG[Pro649His]TKWAVGDQRT

ClinVar aggregate classification (germline): Uncertain significance (1 of 4 stars; one submission).

Conditions:
Inborn genetic diseases. Identifiers: MedGen C0950123, MeSH D030342.

Submission:

Ambry Genetics
Classification: Uncertain significance for Inborn genetic diseases. Last evaluated: 2024-03-28. Review status: criteria provided, single submitter. Criteria: Ambry Variant Classification Scheme 2023. Collection method: clinical testing. Allele origin: germline.
Comment: The p.P649H variant (also known as c.1946C>A), located in coding exon 12 of the EPAS1 gene, results from a C to A substitution at nucleotide position 1946. The proline at codon 649 is replaced by histidine, an amino acid with similar properties. This amino acid position is conserved. In addition, this alteration is predicted to be tolerated by in silico analysis. Based on the available evidence, the clinical significance of this alteration remains unclear.